The following is an entry in ClinVar:

ClinVar aggregate classification (germline): Uncertain significance (1 of 4 stars; one submission).

Conditions:
Charcot-Marie-Tooth disease type 2. Also called: Charcot-Marie-Tooth type 2. Identifiers: Orphanet 64746, MedGen C0270914, MONDO:0018993.

Allele frequency attached by ClinVar (database versions not stated): ExAC 0.00002; gnomAD exomes below 0.00001.
gnomAD v4.1: 4 of 1,614,168 alleles (0.00025%); highest among the groups gnomAD compares: South Asian, 0.0033%; no homozygotes.

Submission:

Labcorp Genetics (formerly Invitae), Labcorp
Classification: Uncertain significance for Charcot-Marie-Tooth disease type 2. Last evaluated: 2023-03-23. Review status: criteria provided, single submitter. Criteria: Invitae Variant Classification Sherloc (09022015). Collection method: clinical testing. Allele origin: germline.
Comment: In summary, the available evidence is currently insufficient to determine the role of this variant in disease. Therefore, it has been classified as a Variant of Uncertain Significance. This sequence change replaces alanine, which is neutral and non-polar, with valine, which is neutral and non-polar, at codon 30 of the AARS protein (p.Ala30Val). This variant is present in population databases (rs757475130, gnomAD 0.006%). This variant has not been reported in the literature in individuals affected with AARS-related conditions. ClinVar contains an entry for this variant (Variation ID: 2031784). Advanced modeling of protein sequence and biophysical properties (such as structural, functional, and spatial information, amino acid conservation, physicochemical variation, residue mobility, and thermodynamic stability) performed at Invitae indicates that this missense variant is not expected to disrupt AARS protein function.

NM_001605.3(AARS1):c.89C>T (p.Ala30Val)

Gene: AARS1 (alanyl-tRNA synthetase 1; minus strand). Cytogenetic location: 16q22.1.
Variant type: single nucleotide variant.
Coding change: c.89C>T on transcript NM_001605.3 (MANE Select); coding-DNA position 89, C replaced by T.
Protein change: p.Ala30Val; replaces alanine 30 with valine.
Molecular consequence: missense variant.
Genome position (GRCh38, 1-based): chr16:70,282,675, G>A on the plus strand (C>T on the coding strand, the complement: AARS1 is on the minus strand). VCF-style: chr16-70282675-G-A. GRCh37 (hg19) VCF-style: chr16-70316578-G-A.
Other names: short protein forms A30V.
Identifiers: ClinVar variation 2031784 (VCV002031784.4), dbSNP rs757475130, ClinGen allele CA8141228.